The following is an entry in ClinVar:

NM_000038.6(APC):c.4816G>T (p.Ala1606Ser)

Gene: APC (APC regulator of Wnt signaling pathway; plus strand). Cytogenetic location: 5q22.2.
Variant type: single nucleotide variant.
Coding change: c.4816G>T on transcript NM_000038.6 (MANE Select); coding-DNA position 4816, G replaced by T.
Protein change: p.Ala1606Ser; replaces alanine 1606 with serine.
Molecular consequence: missense variant.
Genome position (GRCh38, 1-based): chr5:112,840,410, G>T. VCF-style: chr5-112840410-G-T. GRCh37 (hg19) VCF-style: chr5-112176107-G-T.
Other names: c.4816G>T, p.Ala1606Ser (NM_001127510.3, NM_001354895.2); c.4762G>T, p.Ala1588Ser (NM_001127511.3); c.4870G>T, p.Ala1624Ser (NM_001354896.2); c.4846G>T, p.Ala1616Ser (NM_001354897.2); c.4741G>T, p.Ala1581Ser (NM_001354898.2); c.4732G>T, p.Ala1578Ser (NM_001354899.2); c.4693G>T, p.Ala1565Ser (NM_001354900.2); c.4639G>T, p.Ala1547Ser (NM_001354901.2); and 5 more; short protein forms A1446S, A1480S, A1505S, A1606S, A1624S, A1323S, A1515S, A1565S.
Identifiers: ClinVar variation 825202 (VCV000825202.16), dbSNP rs1580652981, ClinGen allele CA16031884.

ClinVar aggregate classification (germline): Uncertain significance. Review status: criteria provided, multiple submitters, no conflicts (2 of 4 stars). 2 submissions from 2 submitters: Uncertain significance (2). Last evaluated 2025-08-02.

Conditions:
Hereditary cancer-predisposing syndrome. Also called: Neoplastic Syndromes, Hereditary; Tumor predisposition; Hereditary neoplastic syndrome; Hereditary Cancer Syndrome. Identifiers: Orphanet 140162, MedGen C0027672, MeSH D009386, MONDO:0015356.
Familial adenomatous polyposis 1 (FAP1). Also called: POLYPOSIS, ADENOMATOUS INTESTINAL; FAMILIAL ADENOMATOUS POLYPOSIS 1, ATTENUATED. Identifiers: MedGen C2713442, MONDO:0021056, OMIM 175100. Disease mechanism: loss of function.

Allele frequency attached by ClinVar (database versions not stated): gnomAD exomes below 0.00001.
gnomAD v4.1: 1 of 1,614,178 alleles (0.000062%); highest among the groups gnomAD compares: Non-Finnish European, 0.000085%; no homozygotes.

Submissions (2):

Labcorp Genetics (formerly Invitae), Labcorp
Classification: Uncertain significance for Familial adenomatous polyposis 1. Last evaluated: 2025-08-02. Review status: criteria provided, single submitter. Criteria: Invitae Variant Classification Sherloc (09022015). Collection method: clinical testing. Allele origin: germline.
Comment: This sequence change replaces alanine, which is neutral and non-polar, with serine, which is neutral and polar, at codon 1606 of the APC protein (p.Ala1606Ser). This variant is not present in population databases (gnomAD no frequency). This variant has not been reported in the literature in individuals affected with APC-related conditions. ClinVar contains an entry for this variant (Variation ID: 825202). Invitae Evidence Modeling of protein sequence and biophysical properties (such as structural, functional, and spatial information, amino acid conservation, physicochemical variation, residue mobility, and thermodynamic stability) indicates that this missense variant is not expected to disrupt APC protein function with a negative predictive value of 95%. In summary, the available evidence is currently insufficient to determine the role of this variant in disease. Therefore, it has been classified as a Variant of Uncertain Significance.

Ambry Genetics
Classification: Uncertain significance for Hereditary cancer-predisposing syndrome. Last evaluated: 2024-10-30. Review status: criteria provided, single submitter. Criteria: Ambry Variant Classification Scheme 2023. Collection method: clinical testing. Allele origin: germline.
Comment: The p.A1606S variant (also known as c.4816G>T), located in coding exon 15 of the APC gene, results from a G to T substitution at nucleotide position 4816. The alanine at codon 1606 is replaced by serine, an amino acid with similar properties. This amino acid position is well conserved in available vertebrate species. In addition, in silico predictors for this gene do not accurately predict pathogenicity. Missense alterations in APC are not a common cause of disease (Spier I et al. Genet Med. 2024 Feb;26(2):100992). Based on the available evidence, the clinical significance of this variant remains unclear.